The following is an entry in ClinVar:

NM_003126.4(SPTA1):c.5808G>A (p.Lys1936=)

Gene: SPTA1 (spectrin alpha, erythrocytic 1; minus strand). Cytogenetic location: 1q23.1.
Variant type: single nucleotide variant.
Coding change: c.5808G>A on transcript NM_003126.4 (MANE Select); coding-DNA position 5808, G replaced by A.
Protein change: p.Lys1936=; no amino-acid change (lysine 1936 retained).
Molecular consequence: synonymous variant.
Genome position (GRCh38, 1-based): chr1:158,626,864, C>T on the plus strand (G>A on the coding strand, the complement: SPTA1 is on the minus strand). VCF-style: chr1-158626864-C-T. GRCh37 (hg19) VCF-style: chr1-158596654-C-T.
Identifiers: ClinVar variation 292963 (VCV000292963.7), dbSNP rs766829938, ClinGen allele CA1182193.

ClinVar aggregate classification (germline): Uncertain significance. Review status: criteria provided, single submitter (1 of 4 stars). 4 submissions from 2 submitters: Uncertain significance (3). 1 of the submissions does not count toward it. Last evaluated 2018-01-13.

Conditions:
Pyropoikilocytosis, hereditary. Also called: Pyropoikilocytosis. Identifiers: MedGen C0520739, MONDO:0009948, OMIM 266140, HP:0004839. Disease mechanism: loss of function.
Hereditary spherocytosis type 3. Also called: Spherocytosis type 3; SPTA1-Related Spherocytosis. Identifiers: Orphanet 822, MedGen C2678338, MONDO:0010053, OMIM 270970.
SPTA1-related disorder. Also called: SPTA1-related disorders; SPTA1-related condition.
Elliptocytosis 2 (EL2). Also called: ELLIPTOCYTOSIS, RHESUS-UNLINKED TYPE. Identifiers: Orphanet 288, MedGen C1851741, MONDO:0007533, OMIM 130600.

Allele frequency attached by ClinVar (database versions not stated): gnomAD exomes 0.00006 and 0.00009; ExAC 0.00008; gnomAD 0.00009; TOPMed 0.00009.
gnomAD v4.1: 141 of 1,613,694 alleles (0.0087%); highest among the groups gnomAD compares: Non-Finnish European, 0.011%; no homozygotes.

Submissions (4):

Illumina Laboratory Services, Illumina
Classification: Uncertain significance for Elliptocytosis 2. Last evaluated: 2018-01-13. Review status: criteria provided, single submitter. Criteria: ICSL Variant Classification Criteria 13 December 2019. Collection method: clinical testing. Allele origin: germline.

Illumina Laboratory Services, Illumina
Classification: Uncertain significance for Pyropoikilocytosis, hereditary. Last evaluated: 2018-01-13. Review status: criteria provided, single submitter. Criteria: ICSL Variant Classification Criteria 13 December 2019. Collection method: clinical testing. Allele origin: germline.

Illumina Laboratory Services, Illumina
Classification: Uncertain significance for Hereditary spherocytosis type 3. Last evaluated: 2018-01-13. Review status: criteria provided, single submitter. Criteria: ICSL Variant Classification Criteria 13 December 2019. Collection method: clinical testing. Allele origin: germline.

PreventionGenetics, part of Exact Sciences
Classification: Likely benign for SPTA1-related condition. Last evaluated: 2019-06-25. Review status: no assertion criteria provided. Collection method: clinical testing. Allele origin: germline. Not counted in ClinVar's aggregate classification.
Comment: This variant is classified as likely benign based on ACMG/AMP sequence variant interpretation guidelines (Richards et al. 2015 PMID: 25741868, with internal and published modifications).